The following is an entry in ClinVar:

NM_001972.4(ELANE):c.350A>G (p.Asp117Gly)

Gene: ELANE (elastase, neutrophil expressed; plus strand). Cytogenetic location: 19p13.3.
Variant type: single nucleotide variant.
Coding change: c.350A>G on transcript NM_001972.4 (MANE Select); coding-DNA position 350, A replaced by G.
Protein change: p.Asp117Gly; replaces aspartic acid 117 with glycine.
Molecular consequence: missense variant.
Genome position (GRCh38, 1-based): chr19:853,387, A>G. VCF-style: chr19-853387-A-G. GRCh37 (hg19) VCF-style: chr19-853387-A-G.
Other names: short protein forms D117G.
Identifiers: ClinVar variation 4618389 (VCV004618389.1).
Genomic context (GRCh38, chr19:853,387, plus strand): 5'-AGGTGTTCGCCGTGCAGCGCATCTTCGAAAACGGCTACGACCCCGTAAACTTGCTCAACG[A>G]CATCGTGATTCTCCAGGTGCCGCCGGGCGGGGCGGGGGGCGCAGGGGCGGAGGCCAGAGG-3'
Protein context (NP_001963.1, residues 107-127): NGYDPVNLLN[Asp117Gly]IVILQLNGSA

ClinVar aggregate classification (germline): Uncertain significance (1 of 4 stars; one submission).

Conditions:
Inborn genetic diseases. Identifiers: MedGen C0950123, MeSH D030342.

gnomAD v4.1: 2 of 1,609,724 alleles (0.00012%); highest among the groups gnomAD compares: Admixed American, 0.0017%; no homozygotes.

Submission:

Ambry Genetics
Classification: Uncertain significance for Inborn genetic diseases. Last evaluated: 2025-09-22. Review status: criteria provided, single submitter. Criteria: Ambry Variant Classification Scheme 2023. Collection method: clinical testing. Allele origin: germline.
Comment: The p.D117G variant (also known as c.350A>G), located in coding exon 3 of the ELANE gene, results from an A to G substitution at nucleotide position 350. The aspartic acid at codon 117 is replaced by glycine, an amino acid with similar properties. This amino acid position is conserved. In addition, this alteration is predicted to be deleterious by in silico analysis. Based on the available evidence, the clinical significance of this variant remains unclear.